The following is an entry in ClinVar:

ClinVar aggregate classification (germline): Likely benign. Review status: criteria provided, multiple submitters, no conflicts (2 of 4 stars). 2 submissions from 2 submitters: Likely benign (2). Last evaluated 2025-05-22.

Conditions:
Tuberous sclerosis 2 (TSC2). Identifiers: Orphanet 805, MedGen C1860707, MONDO:0013199, OMIM 613254.

Submissions (2):

Myriad Genetics, Inc.
Classification: Likely benign for Tuberous sclerosis 2. Last evaluated: 2025-05-22. Review status: criteria provided, single submitter. Criteria: Myriad Autosomal Dominant, Autosomal Recessive and X-Linked Classification Criteria (2023). Collection method: clinical testing. Allele origin: unknown.
Comment: This variant is considered likely benign. This variant is intronic and is not expected to impact mRNA splicing.

Labcorp Genetics (formerly Invitae), Labcorp
Classification: Likely benign for Tuberous sclerosis 2. Last evaluated: 2020-11-16. Review status: criteria provided, single submitter. Criteria: Invitae Variant Classification Sherloc (09022015). Collection method: clinical testing. Allele origin: germline.

NM_000548.5(TSC2):c.2742+10G>A

Gene: TSC2 (TSC complex subunit 2; plus strand). Cytogenetic location: 16p13.3.
Variant type: single nucleotide variant.
Coding change: c.2742+10G>A on transcript NM_000548.5 (MANE Select); 10 bases into the intron after coding-DNA position 2742, G replaced by A.
Molecular consequence: intron variant.
Genome position (GRCh38, 1-based): chr16:2,076,180, G>A. VCF-style: chr16-2076180-G-A. GRCh37 (hg19) VCF-style: chr16-2126181-G-A.
Other names: c.2742+10G>A (NM_001114382.3, NM_021055.3, NM_001370405.1 and 3 more transcripts); c.2631+10G>A (NM_001318827.2); c.2142+10G>A (NM_001318831.2); c.2595+10G>A (NM_001318829.2); c.2775+10G>A (NM_001318832.2).
Identifiers: ClinVar variation 1652760 (VCV001652760.9), dbSNP rs2151389563, ClinGen allele CA2573151581.
Genomic context (GRCh38, chr16:2,076,180, plus strand): 5'-ATCAGGTGCCGCCTGCCCTTCCGGAAGGATTTTGTCCCTTTCATCACTAAGGTGGGCTCA[G>A]GGCCGGTGAAGGCTGTGTCTCTCGGTAGGCCAGGGCTTGCTTTGCCCTTGGCTGTCCATG-3'